The following is an entry in ClinVar:

ClinVar aggregate classification (germline): Uncertain significance (1 of 4 stars; one submission).

gnomAD v4.1: 12 of 1,612,196 alleles (0.00074%); highest among the groups gnomAD compares: Non-Finnish European, 0.001%; no homozygotes.

Submission:

Labcorp Genetics (formerly Invitae), Labcorp
Classification: Uncertain significance. Last evaluated: 2025-11-15. Review status: criteria provided, single submitter. Criteria: Invitae Variant Classification Sherloc (09022015). Collection method: clinical testing. Allele origin: germline.
Comment: This sequence change replaces arginine, which is basic and polar, with glutamine, which is neutral and polar, at codon 655 of the LEMD3 protein (p.Arg655Gln). This variant is present in population databases (rs757507566, gnomAD 0.002%). This variant has not been reported in the literature in individuals affected with LEMD3-related conditions. Invitae Evidence Modeling of protein sequence and biophysical properties (such as structural, functional, and spatial information, amino acid conservation, physicochemical variation, residue mobility, and thermodynamic stability) indicates that this missense variant is not expected to disrupt LEMD3 protein function with a negative predictive value of 80%. In summary, the available evidence is currently insufficient to determine the role of this variant in disease. Therefore, it has been classified as a Variant of Uncertain Significance.

NM_014319.5(LEMD3):c.1964G>A (p.Arg655Gln)

Gene: LEMD3 (LEM domain containing 3; plus strand). Cytogenetic location: 12q14.3.
Variant type: single nucleotide variant.
Coding change: c.1964G>A on transcript NM_014319.5 (MANE Select); coding-DNA position 1964, G replaced by A.
Protein change: p.Arg655Gln; replaces arginine 655 with glutamine.
Molecular consequence: missense variant.
Genome position (GRCh38, 1-based): chr12:65,239,971, G>A. VCF-style: chr12-65239971-G-A. GRCh37 (hg19) VCF-style: chr12-65633751-G-A.
Other names: c.1961G>A, p.Arg654Gln (NM_001167614.2); short protein forms R655Q, R654Q.
Identifiers: ClinVar variation 4701687 (VCV004701687.1).